The following is an entry in ClinVar:

ClinVar aggregate classification (germline): Likely benign (1 of 4 stars; one submission).

gnomAD v4.1: 16 of 1,613,922 alleles (0.00099%); highest among the groups gnomAD compares: South Asian, 0.0033%; no homozygotes.

Submission:

CeGaT Center for Human Genetics Tuebingen
Classification: Likely benign. Last evaluated: 2025-12-01. Review status: criteria provided, single submitter. Criteria: CeGaT Center For Human Genetics Tuebingen Variant Classification Criteria Version 2. Collection method: clinical testing. Allele origin: germline. Affected: yes. Observed: 1 variant allele.
Comment: P2RY14: BP4, BP7

NM_014879.4(P2RY14):c.928T>C (p.Leu310=)

Genes: MED12L (mediator complex subunit 12L; plus strand), P2RY14 (purinergic receptor P2Y14; minus strand). Cytogenetic location: 3q25.1.
Variant type: single nucleotide variant.
Coding change: c.928T>C on transcript NM_014879.4 (MANE Select); coding-DNA position 928, T replaced by C.
Protein change: p.Leu310=; no amino-acid change (leucine 310 retained).
Molecular consequence: synonymous variant. On other transcripts: intron variant (2).
Genome position (GRCh38, 1-based): chr3:151,213,389, A>G on the plus strand (T>C on the coding strand, the complement: P2RY14 is on the minus strand). VCF-style: chr3-151213389-A-G. GRCh37 (hg19) VCF-style: chr3-150931177-A-G.
Other names: c.928T>C, p.Leu310= (NM_001081455.2); c.2250+19723A>G (NM_001393769.1); c.2145+19723A>G (NM_053002.6).
Identifiers: ClinVar variation 4681511 (VCV004681511.5).